The following is an entry in ClinVar:

NM_177972.3(TUB):c.973G>C (p.Gly325Arg)

Genes: RIC3 (RIC3 acetylcholine receptor chaperone; minus strand), TUB (TUB bipartite transcription factor; plus strand). Cytogenetic location: 11p15.4.
Variant type: single nucleotide variant.
Coding change: c.973G>C on transcript NM_177972.3 (MANE Select); coding-DNA position 973, G replaced by C.
Protein change: p.Gly325Arg; replaces glycine 325 with arginine.
Molecular consequence: missense variant.
Genome position (GRCh38, 1-based): chr11:8,097,801, G>C. VCF-style: chr11-8097801-G-C. GRCh37 (hg19) VCF-style: chr11-8119348-G-C.
Other names: c.1138G>C (NM_003320.4); c.1138G>C, p.Gly380Arg (NM_003320.5); short protein forms G325R, G380R.
Identifiers: ClinVar variation 1017257 (VCV001017257.11), dbSNP rs759795167, ClinGen allele CA217422950.

ClinVar aggregate classification (germline): Uncertain significance. Review status: criteria provided, multiple submitters, no conflicts (2 of 4 stars). 3 submissions from 3 submitters: Uncertain significance (2). 1 of the submissions does not count toward it. Last evaluated 2024-11-27.

Conditions:
TUB-related disorder. Also called: TUB-related condition.

Allele frequency attached by ClinVar (database versions not stated): gnomAD 0.00001; gnomAD exomes 0.00001; TOPMed 0.00002.
gnomAD v4.1: 12 of 1,613,878 alleles (0.00074%); highest among the groups gnomAD compares: Non-Finnish European, 0.001%; no homozygotes.

Submissions (3):

Blueprint Genetics
Classification: Uncertain significance. Last evaluated: 2024-11-27. Review status: criteria provided, single submitter. Criteria: ACMG Guidelines, 2015. Collection method: clinical testing. Allele origin: germline.

Labcorp Genetics (formerly Invitae), Labcorp
Classification: Uncertain significance. Last evaluated: 2022-02-15. Review status: criteria provided, single submitter. Criteria: Invitae Variant Classification Sherloc (09022015). Collection method: clinical testing. Allele origin: germline.
Comment: ClinVar contains an entry for this variant (Variation ID: 1017257). In summary, the available evidence is currently insufficient to determine the role of this variant in disease. Therefore, it has been classified as a Variant of Uncertain Significance. Algorithms developed to predict the effect of missense changes on protein structure and function (SIFT, PolyPhen-2, Align-GVGD) all suggest that this variant is likely to be disruptive. This variant has not been reported in the literature in individuals affected with TUB-related conditions. This variant is not present in population databases (gnomAD no frequency). This sequence change replaces glycine, which is neutral and non-polar, with arginine, which is basic and polar, at codon 380 of the TUB protein (p.Gly380Arg).

PreventionGenetics, part of Exact Sciences
Classification: Uncertain significance for TUB-related condition. Last evaluated: 2024-09-16. Review status: no assertion criteria provided. Collection method: clinical testing. Allele origin: germline. Not counted in ClinVar's aggregate classification.
Comment: The TUB c.1138G>C variant is predicted to result in the amino acid substitution p.Gly380Arg. To our knowledge, this variant has not been reported in the literature or in gnomAD, indicating this variant is rare. At this time, the clinical significance of this variant is uncertain due to the absence of conclusive functional and genetic evidence.